The following is an entry in ClinVar:

NM_001127222.2(CACNA1A):c.4091C>A (p.Ala1364Asp)

Genes: CACNA1A (calcium voltage-gated channel subunit alpha1 A; minus strand), LOC126862864 (MED14-independent group 3 enhancer GRCh37_chr19:13371552-13372751; plus strand). Cytogenetic location: 19p13.13.
Variant type: single nucleotide variant.
Coding change: c.4091C>A on transcript NM_001127222.2 (MANE Select); coding-DNA position 4091, C replaced by A.
Protein change: p.Ala1364Asp; replaces alanine 1364 with aspartic acid.
Molecular consequence: missense variant.
Genome position (GRCh38, 1-based): chr19:13,261,609, G>T on the plus strand (C>A on the coding strand, the complement: CACNA1A is on the minus strand). VCF-style: chr19-13261609-G-T. GRCh37 (hg19) VCF-style: chr19-13372423-G-T.
Other names: c.4103C>A, p.Ala1368Asp (NM_000068.4, NM_023035.3); c.4094C>A, p.Ala1365Asp (NM_001127221.2, NM_001174080.2); short protein forms A1368D, A1365D, A1364D.
Identifiers: ClinVar variation 2034801 (VCV002034801.5), dbSNP rs779812119, ClinGen allele CA9240073.

ClinVar aggregate classification (germline): Uncertain significance. Review status: criteria provided, multiple submitters, no conflicts (2 of 4 stars). 2 submissions from 2 submitters: Uncertain significance (2). Last evaluated 2024-10-24.

Conditions:
Episodic ataxia type 2 (EA2). Also called: ATAXIA, EPISODIC, WITH NYSTAGMUS; ATAXIA, FAMILIAL PAROXYSMAL; CEREBELLAR ATAXIA, PAROXYSMAL, ACETAZOLAMIDE-RESPONSIVE; CEREBELLOPATHY, HEREDITARY PAROXYSMAL; ACETAZOLAMIDE-RESPONSIVE HEREDITARY PAROXYSMAL CEREBELLAR ATAXIA; EPISODIC ATAXIA, NYSTAGMUS-ASSOCIATED. Identifiers: Orphanet 97, MedGen C1720416, MONDO:0007163, OMIM 108500.
Developmental and epileptic encephalopathy, 42 (DEE42A). Also called: Epileptic encephalopathy, early infantile, 42; DEVELOPMENTAL AND EPILEPTIC ENCEPHALOPATHY 42A; EPILEPTIC ENCEPHALOPATHY, EARLY INFANTILE, 42A. Identifiers: MedGen C4310716, MONDO:0014917, OMIM 617106.

Submissions (2):

Labcorp Genetics (formerly Invitae), Labcorp
Classification: Uncertain significance for Developmental and epileptic encephalopathy, 42; Episodic ataxia type 2. Last evaluated: 2024-10-24. Review status: criteria provided, single submitter. Criteria: Invitae Variant Classification Sherloc (09022015). Collection method: clinical testing. Allele origin: germline.
Comment: This sequence change replaces alanine, which is neutral and non-polar, with aspartic acid, which is acidic and polar, at codon 1365 of the CACNA1A protein (p.Ala1365Asp). This variant is not present in population databases (gnomAD no frequency). This variant has not been reported in the literature in individuals affected with CACNA1A-related conditions. ClinVar contains an entry for this variant (Variation ID: 2034801). An algorithm developed to predict the effect of missense changes on protein structure and function (PolyPhen-2) suggests that this variant is likely to be disruptive. In summary, the available evidence is currently insufficient to determine the role of this variant in disease. Therefore, it has been classified as a Variant of Uncertain Significance.

GeneDx
Classification: Uncertain significance. Last evaluated: 2024-08-05. Review status: criteria provided, single submitter. Criteria: GeneDx Variant Classification Process June 2021. Collection method: clinical testing. Allele origin: germline. Affected: yes.
Comment: Not observed at significant frequency in large population cohorts (gnomAD); In silico analysis supports that this missense variant has a deleterious effect on protein structure/function; Has not been previously published as pathogenic or benign to our knowledge